The following is an entry in ClinVar:

ClinVar aggregate classification (germline): Uncertain significance (1 of 4 stars; one submission).

Submission:

Ambry Genetics
Classification: Uncertain significance. Last evaluated: 2023-04-18. Review status: criteria provided, single submitter. Criteria: Ambry Variant Classification Scheme 2023. Collection method: clinical testing. Allele origin: germline.
Comment: The p.I185L variant (also known as c.553A>C), located in coding exon 4 of the BUB3 gene, results from an A to C substitution at nucleotide position 553. The isoleucine at codon 185 is replaced by leucine, an amino acid with highly similar properties. This amino acid position is conserved. In addition, the in silico prediction for this alteration is inconclusive. Since supporting evidence is limited at this time, the clinical significance of this alteration remains unclear.

NM_004725.4(BUB3):c.553A>C (p.Ile185Leu)

Gene: BUB3 (BUB3 mitotic checkpoint protein; plus strand). Cytogenetic location: 10q26.13.
Variant type: single nucleotide variant.
Coding change: c.553A>C on transcript NM_004725.4 (MANE Select); coding-DNA position 553, A replaced by C.
Protein change: p.Ile185Leu; replaces isoleucine 185 with leucine.
Molecular consequence: missense variant.
Genome position (GRCh38, 1-based): chr10:123,160,542, A>C. VCF-style: chr10-123160542-A-C. GRCh37 (hg19) VCF-style: chr10-124920058-A-C.
Other names: c.553A>C, p.Ile185Leu (NM_001007793.3); short protein forms I185L.
Identifiers: ClinVar variation 2563123 (VCV002563123.2), dbSNP rs1480946047, ClinGen allele CA378626348.